The following is an entry in ClinVar:

NM_002303.6(LEPR):c.2674-5983G>T

Gene: LEPR (leptin receptor; plus strand). Cytogenetic location: 1p31.3.
Variant type: single nucleotide variant.
Coding change: c.2674-5983G>T on transcript NM_002303.6 (MANE Select); 5983 bases into the intron before coding-DNA position 2674, G replaced by T.
Molecular consequence: intron variant. On other transcripts: nonsense (2).
Genome position (GRCh38, 1-based): chr1:65,630,208, G>T. VCF-style: chr1-65630208-G-T. GRCh37 (hg19) VCF-style: chr1-66095891-G-T.
Other names: c.2680G>T, p.Glu894Ter (NM_001003680.3, NM_001198687.2); c.2674-2944G>T (NM_001003679.3, NM_001198689.2); short protein forms E894*.
Identifiers: ClinVar variation 3350575 (VCV003350575.1).

ClinVar aggregate classification (germline): Uncertain significance (0 of 4 stars; one submission).

Conditions:
LEPR-related disorder. Also called: LEPR-related condition; LEPR-related disorders.

gnomAD v4.1: 5 of 296,028 alleles (0.0017%); highest among the groups gnomAD compares: Non-Finnish European, 0.0033%; no homozygotes.

Submission:

PreventionGenetics, part of Exact Sciences
Classification: Uncertain significance for LEPR-related condition. Last evaluated: 2024-05-03. Review status: no assertion criteria provided. Collection method: clinical testing. Allele origin: germline.
Comment: The LEPR c.2680G>T variant is predicted to result in premature protein termination (p.Glu894*). This variant corresponds to a deep intronic position in the primary transcript for this gene (NM_002303:c.2674-5983G>T). To our knowledge, this variant has not been reported in the literature. This variant is reported in 0.0056% of alleles in individuals of European (Non-Finnish) descent in gnomAD. At this time, the clinical significance of this variant is uncertain due to the absence of conclusive functional and genetic evidence.